The following is an entry in ClinVar:

ClinVar aggregate classification (germline): Pathogenic (1 of 4 stars; one submission).

Conditions:
Primary ciliary dyskinesia 28. Also called: CILIARY DYSKINESIA, PRIMARY, 28, WITH OR WITHOUT SITUS INVERSUS. Identifiers: Orphanet 244, MedGen C3809706, MONDO:0014216, OMIM 615505.

Submission:

Labcorp Genetics (formerly Invitae), Labcorp
Classification: Pathogenic for Primary ciliary dyskinesia 28. Last evaluated: 2023-11-17. Review status: criteria provided, single submitter. Criteria: Invitae Variant Classification Sherloc (09022015). Collection method: clinical testing. Allele origin: unknown.
Comment: This variant is a gross deletion of the genomic region encompassing exon(s) 17-19 of the SPAG1 gene, which includes the termination codon. This deletion extends beyond the assayed region for this gene and therefore may encompass additional genes. While this deletion is not anticipated to lead to nonsense mediated decay, it is expected to alter mRNA translation or result in a truncated protein product. This variant has not been reported in the literature in individuals affected with SPAG1-related conditions. This variant disrupts a region of the SPAG1 protein in which other variant(s) (p.Asn859Lysfs*18) have been determined to be pathogenic (Invitae). This suggests that this is a clinically significant region of the protein, and that variants that disrupt it are likely to be disease-causing. For these reasons, this variant has been classified as Pathogenic.

NC_000008.10:g.(?_101251448)_(101253250_?)del

Gene: SPAG1 (sperm associated antigen 1; plus strand). Cytogenetic location: 8q22.2.
Variant type: Deletion.
Identifiers: ClinVar variation 3245529 (VCV003245529.1).